The following is an entry in ClinVar:

ClinVar aggregate classification (germline): Uncertain significance. Review status: criteria provided, single submitter (1 of 4 stars). 2 submissions from 2 submitters: Uncertain significance (1). 1 of the submissions does not count toward it. Last evaluated 2022-01-06.

Conditions:
VPS13B-related disorder. Also called: VPS13B-related condition.
Cohen syndrome (COH1). Also called: Cutis verticis gyrata, retinitis pigmentosa, and sensorineural deafness; PEPPER SYNDROME. Identifiers: Orphanet 193, MedGen C0265223, MONDO:0008999, OMIM 216550.

Allele frequency attached by ClinVar (database versions not stated): TOPMed 0.00001; gnomAD exomes 0.00004.
gnomAD v4.1: 53 of 1,613,776 alleles (0.0033%); highest among the groups gnomAD compares: Non-Finnish European, 0.0044%; no homozygotes.

Submissions (2):

Labcorp Genetics (formerly Invitae), Labcorp
Classification: Uncertain significance for Cohen syndrome. Last evaluated: 2022-01-06. Review status: criteria provided, single submitter. Criteria: Invitae Variant Classification Sherloc (09022015). Collection method: clinical testing. Allele origin: germline.
Comment: This sequence change replaces serine, which is neutral and polar, with asparagine, which is neutral and polar, at codon 1739 of the VPS13B protein (p.Ser1739Asn). This variant is present in population databases (no rsID available, gnomAD 0.003%). This variant has not been reported in the literature in individuals affected with VPS13B-related conditions. Algorithms developed to predict the effect of missense changes on protein structure and function output the following: SIFT: "Not Available"; PolyPhen-2: "Possibly Damaging"; Align-GVGD: "Not Available". The asparagine amino acid residue is found in multiple mammalian species, which suggests that this missense change does not adversely affect protein function. In summary, the available evidence is currently insufficient to determine the role of this variant in disease. Therefore, it has been classified as a Variant of Uncertain Significance.

PreventionGenetics, part of Exact Sciences
Classification: Uncertain significance for VPS13B-related condition. Last evaluated: 2024-04-17. Review status: no assertion criteria provided. Collection method: clinical testing. Allele origin: germline. Not counted in ClinVar's aggregate classification.
Comment: The VPS13B c.5141G>A variant is predicted to result in the amino acid substitution p.Ser1714Asn. To our knowledge, this variant has not been reported in the literature. This variant is reported in 0.0026% of alleles in individuals of European (Non-Finnish) descent in gnomAD. At this time, the clinical significance of this variant is uncertain due to the absence of conclusive functional and genetic evidence.

NM_152564.5(VPS13B):c.5141G>A (p.Ser1714Asn)

Gene: VPS13B (vacuolar protein sorting 13 homolog B; plus strand). Cytogenetic location: 8q22.2.
Variant type: single nucleotide variant.
Coding change: c.5141G>A on transcript NM_152564.5 (MANE Select); coding-DNA position 5141, G replaced by A.
Protein change: p.Ser1714Asn; replaces serine 1714 with asparagine.
Molecular consequence: missense variant.
Genome position (GRCh38, 1-based): chr8:99,577,554, G>A. VCF-style: chr8-99577554-G-A. GRCh37 (hg19) VCF-style: chr8-100589782-G-A.
Other names: c.5216G>A, p.Ser1739Asn (NM_017890.5); short protein forms S1714N, S1739N.
Identifiers: ClinVar variation 2066568 (VCV002066568.2), dbSNP rs1343776715, ClinGen allele CA371875357.